The following is an entry in ClinVar:

ClinVar aggregate classification (germline): Conflicting classifications of pathogenicity. Review status: criteria provided, conflicting classifications (1 of 4 stars). 5 submissions from 5 submitters: Uncertain significance (3); Likely benign (1). 1 of the submissions does not count toward it. Last evaluated 2026-08-06.

Conditions:
Hereditary cancer-predisposing syndrome. Also called: Neoplastic Syndromes, Hereditary; Hereditary Cancer Syndrome; Tumor predisposition; Hereditary neoplastic syndrome. Identifiers: Orphanet 140162, MedGen C0027672, MeSH D009386, MONDO:0015356.
Familial cancer of breast. Also called: Hereditary breast cancer; BREAST CANCER, FAMILIAL; hereditary breast carcinoma. Identifiers: Orphanet 227535, MedGen C0346153, MONDO:0016419, OMIM 114480. Disease mechanism: loss of function.
Ataxia-telangiectasia syndrome (AT). Also called: LOUIS-BAR SYNDROME; Cerebello-oculocutaneous telangiectasia; Immunodeficiency with ataxia telangiectasia; Ataxia-telangiectasia, complementation group D; AT, COMPLEMENTATION GROUP C; Ataxia-telangiectasia, complementation group E. Identifiers: Orphanet 100, MedGen C0004135, MONDO:0008840, OMIM 208900.

gnomAD v4.1: 1 of 1,614,162 alleles (0.000062%); highest among the groups gnomAD compares: Non-Finnish European, 0.000085%; no homozygotes.

Submissions (5):

OLLIN Analises Genomicas, OLLIN
Classification: Uncertain significance for Familial cancer of breast. Last evaluated: 2026-08-06. Review status: criteria provided, single submitter. Criteria: ACMG Guidelines 2015 PMID 25741868. Collection method: clinical testing. Allele origin: germline. Inheritance: Autosomal recessive inheritance.
Comment: This missense variant, located in exon 63 (of 63), has been reported in ClinVar (accession VCV000183808.48) and in gnomAD with an allele frequency of 0.000062%. However, to our knowledge, it has not been reported in the scientific literature. In silico analysis predicts that this variant has a tolerated effect. According to the currently available evidence, this variant has been classified as uncertain significance (PM2_P, BP4).

Color Diagnostics, LLC DBA Color Health
Classification: Uncertain significance for Hereditary cancer-predisposing syndrome. Last evaluated: 2025-11-18. Review status: criteria provided, single submitter. Criteria: ACMG Guidelines, 2015. Collection method: clinical testing. Allele origin: germline.
Comment: This missense variant replaces phenylalanine with leucine at codon 3002 of the ATM protein. Computational prediction suggests that this variant may not impact protein structure and function. To our knowledge, functional studies have not been reported for this variant. This variant has not been reported in individuals affected with ATM-related disorders in the literature. This variant has been identified in 1/1614162 chromosomes in the general population by the Genome Aggregation Database (gnomAD). The available evidence is insufficient to determine the role of this variant in disease conclusively. Therefore, this variant is classified as a Variant of Uncertain Significance.

Labcorp Genetics (formerly Invitae), Labcorp
Classification: Uncertain significance for Ataxia-telangiectasia syndrome. Last evaluated: 2025-05-05. Review status: criteria provided, single submitter. Criteria: Invitae Variant Classification Sherloc (09022015). Collection method: clinical testing. Allele origin: germline.
Comment: This sequence change replaces phenylalanine, which is neutral and non-polar, with leucine, which is neutral and non-polar, at codon 3002 of the ATM protein (p.Phe3002Leu). This variant is not present in population databases (gnomAD no frequency). This missense change has been observed in individual(s) with prostate cancer (PMID: 33436325). ClinVar contains an entry for this variant (Variation ID: 478938). Invitae Evidence Modeling of protein sequence and biophysical properties (such as structural, functional, and spatial information, amino acid conservation, physicochemical variation, residue mobility, and thermodynamic stability) indicates that this missense variant is not expected to disrupt ATM protein function with a negative predictive value of 95%. In summary, the available evidence is currently insufficient to determine the role of this variant in disease. Therefore, it has been classified as a Variant of Uncertain Significance.

Ambry Genetics
Classification: Likely benign for Hereditary cancer-predisposing syndrome. Last evaluated: 2024-02-19. Review status: criteria provided, single submitter. Criteria: Ambry Variant Classification Scheme 2023. Collection method: clinical testing. Allele origin: germline.

Natera, Inc.
Classification: Uncertain significance for Ataxia-telangiectasia. Last evaluated: 2021-06-07. Review status: no assertion criteria provided. Collection method: clinical testing. Allele origin: germline. Not counted in ClinVar's aggregate classification.

Literature cited by the submitters: PubMed 33436325 (cited by Labcorp Genetics (formerly Invitae), Labcorp).

NM_000051.4(ATM):c.9006C>G (p.Phe3002Leu)

Genes: C11orf65 (chromosome 11 open reading frame 65; minus strand), ATM (ATM serine/threonine kinase; plus strand). Cytogenetic location: 11q22.3.
Variant type: single nucleotide variant.
Coding change: c.9006C>G on transcript NM_000051.4 (MANE Select); coding-DNA position 9006, C replaced by G.
Protein change: p.Phe3002Leu; replaces phenylalanine 3002 with leucine.
Molecular consequence: missense variant. On other transcripts: intron variant (2).
Genome position (GRCh38, 1-based): chr11:108,365,343, C>G. VCF-style: chr11-108365343-C-G. GRCh37 (hg19) VCF-style: chr11-108236070-C-G.
Other names: c.9006C>G, p.Phe3002Leu (NM_001351834.2); c.640+20577G>C (NM_001330368.2); c.694+20577G>C (NM_001351110.2); short protein forms F3002L.
Identifiers: ClinVar variation 478938 (VCV000478938.27), dbSNP rs540172506, ClinGen allele CA382530924.